The following is an entry in ClinVar:

ClinVar aggregate classification (germline): Pathogenic (1 of 4 stars; one submission).

Conditions:
Nemaline myopathy 2 (NEM2). Also called: Nemaline myopathy 2, autosomal recessive. Identifiers: MedGen C1850569, MONDO:0009725, OMIM 256030.

Submission:

Labcorp Genetics (formerly Invitae), Labcorp
Classification: Pathogenic for Nemaline myopathy 2. Last evaluated: 2023-07-17. Review status: criteria provided, single submitter. Criteria: Invitae Variant Classification Sherloc (09022015). Collection method: clinical testing. Allele origin: germline.
Comment: This variant is not present in population databases (gnomAD no frequency). This sequence change creates a premature translational stop signal (p.Val5594Serfs*18) in the NEB gene. It is expected to result in an absent or disrupted protein product. Loss-of-function variants in NEB are known to be pathogenic (PMID: 25205138). This variant has not been reported in the literature in individuals affected with NEB-related conditions. For these reasons, this variant has been classified as Pathogenic.

Literature cited by the submitters: PubMed 25205138.

NM_001164508.2(NEB):c.16779del (p.Val5594fs)

Gene: NEB (nebulin; minus strand). Cytogenetic location: 2q23.3.
Variant type: Deletion.
Coding change: c.16779del on transcript NM_001164508.2 (MANE Select); coding-DNA position 16779, one base deleted (A; older notation c.16779delA).
Protein change: p.Val5594fs; shifts the reading frame from valine 5594.
Molecular consequence: frameshift variant.
Genome position (GRCh38, 1-based): chr2:151,576,280, T deleted on the plus strand (A on the coding strand, the reverse complement: NEB is on the minus strand). VCF-style (leftmost placement, unchanged base first): chr2-151576279-CT-C. GRCh37 (hg19) VCF-style: chr2-152432793-CT-C.
Other names: c.16779del, p.Val5594fs (NM_001164507.2, NM_001271208.2); c.11676del, p.Val3893fs (NM_004543.5); short protein forms V3893fs, V5594fs.
Identifiers: ClinVar variation 2744389 (VCV002744389.3), dbSNP rs2552199752, ClinGen allele CA2697551078.